The following is an entry in ClinVar:

NM_021930.6(RINT1):c.1566A>T (p.Gln522His)

Gene: RINT1 (RAD50 interactor 1; plus strand). Cytogenetic location: 7q22.3.
Variant type: single nucleotide variant.
Coding change: c.1566A>T on transcript NM_021930.6 (MANE Select); coding-DNA position 1566, A replaced by T.
Protein change: p.Gln522His; replaces glutamine 522 with histidine.
Molecular consequence: missense variant.
Genome position (GRCh38, 1-based): chr7:105,555,122, A>T. VCF-style: chr7-105555122-A-T. GRCh37 (hg19) VCF-style: chr7-105195569-A-T.
Other names: c.1332A>T, p.Gln444His (NM_001346599.2); c.543A>T, p.Gln181His (NM_001346600.2, NM_001346603.2); c.642A>T, p.Gln214His (NM_001346601.2); short protein forms Q181H, Q214H, Q444H, Q522H.
Identifiers: ClinVar variation 3227608 (VCV003227608.1), dbSNP rs2133426710, ClinGen allele CA368811657.
Genomic context (GRCh38, chr7:105,555,122, plus strand): 5'-GCTTCAGTTCCTGGAGTTACAGAAGGACTTAGTAGATGATTTTAGGATACGATTAACACA[A>T]GTGATGAAAGAAGAGACTAGAGCTTCCCTTGGCTTTCGATACTGTGCAATTCTTAATGCT-3'
Protein context (NP_068749.3, residues 512-532): LVDDFRIRLT[Gln522His]VMKEETRASL

ClinVar aggregate classification (germline): Uncertain significance (1 of 4 stars; one submission).

Submission:

Ambry Genetics
Classification: Uncertain significance. Last evaluated: 2023-12-15. Review status: criteria provided, single submitter. Criteria: Ambry Variant Classification Scheme 2023. Collection method: clinical testing. Allele origin: germline.
Comment: The p.Q522H variant (also known as c.1566A>T), located in coding exon 11 of the RINT1 gene, results from an A to T substitution at nucleotide position 1566. The glutamine at codon 522 is replaced by histidine, an amino acid with highly similar properties. This amino acid position is conserved. In addition, this alteration is predicted to be tolerated by in silico analysis. Since supporting evidence is limited at this time, the clinical significance of this alteration remains unclear.